The following is an entry in ClinVar:

ClinVar aggregate classification (germline): Conflicting classifications of pathogenicity. Review status: criteria provided, conflicting classifications (1 of 4 stars). 3 submissions from 3 submitters: Pathogenic (1); Likely pathogenic (1); Uncertain significance (1). Last evaluated 2025-05-05.

Conditions:
Hereditary cancer-predisposing syndrome. Also called: Neoplastic Syndromes, Hereditary; Hereditary neoplastic syndrome; Tumor predisposition; Hereditary Cancer Syndrome. Identifiers: Orphanet 140162, MedGen C0027672, MeSH D009386, MONDO:0015356.

Allele frequency attached by ClinVar (database versions not stated): TOPMed 0.00001.

Submissions (3):

Ambry Genetics
Classification: Uncertain significance for Hereditary cancer-predisposing syndrome. Last evaluated: 2025-05-05. Review status: criteria provided, single submitter. Criteria: Ambry Variant Classification Scheme 2023. Collection method: clinical testing. Allele origin: germline.
Comment: The c.5174-2A>G intronic variant results from an A to G substitution two nucleotides upstream from coding exon 39 in the POLE gene. This nucleotide position is highly conserved in available vertebrate species. In silico splice site analysis predicts that this alteration will weaken the native splice acceptor site and may result in the creation or strengthening of a novel splice acceptor site. Alterations that disrupt the canonical splice site are expected to cause aberrant splicing, resulting in an abnormal protein or a transcript that is subject to nonsense-mediated mRNA decay. Although biallelic loss of function of POLE has been associated with autosomal recessive POLE deficiency, haploinsufficiency of POLE has not been established as a mechanism of disease for POLE-related polymerase proofreading-associated polyposis (PPAP) and POLE-related CMMRD-like syndrome. Based on the supporting evidence, this variant is expected to be causative of POLE deficiency when present along with a second pathogenic variant on the other allele; however, its clinical significance for PPAP and POLE-related CMMRD-like syndrome is unclear.

Dasa
Classification: Likely pathogenic. Last evaluated: 2025-02-07. Review status: criteria provided, single submitter. Criteria: DASA Assertion Criteria. Collection method: clinical testing. Allele origin: germline.
Comment: NM_006231.4(POLE):c.5174-2A>G affects a canonical splice site and is predicted to disrupt normal RNA splicing. Loss of function is an established disease mechanism for POLE-associated disorders. Also, this variant is rare in population databases. Based on the currently available evidence, this variant is classified as likely pathogenic.

Labcorp Genetics (formerly Invitae), Labcorp
Classification: Pathogenic. Last evaluated: 2025-01-27. Review status: criteria provided, single submitter. Criteria: Invitae Variant Classification Sherloc (09022015). Collection method: clinical testing. Allele origin: germline.
Comment: This sequence change affects an acceptor splice site in intron 38 of the POLE gene. RNA analysis indicates that disruption of this splice site induces altered splicing and may result in an absent or altered protein product. This variant is not present in population databases (gnomAD no frequency). This variant has not been reported in the literature in individuals affected with POLE-related conditions. ClinVar contains an entry for this variant (Variation ID: 845262). Studies have shown that disruption of this splice site results in skipping of exon 39, and produces a non-functional protein and/or introduces a premature termination codon (internal data). For these reasons, this variant has been classified as Pathogenic.

NM_006231.4(POLE):c.5174-2A>G

Gene: POLE (DNA polymerase epsilon, catalytic subunit; minus strand). Cytogenetic location: 12q24.33.
Variant type: single nucleotide variant.
Coding change: c.5174-2A>G on transcript NM_006231.4 (MANE Select); the canonical splice acceptor site of the intron before coding-DNA position 5174, A replaced by G.
Molecular consequence: splice acceptor variant.
Genome position (GRCh38, 1-based): chr12:132,641,853, T>C on the plus strand (A>G on the coding strand, the complement: POLE is on the minus strand). VCF-style: chr12-132641853-T-C. GRCh37 (hg19) VCF-style: chr12-133218439-T-C.
Other names: c.5174-2A>G (NM_006231.2).
Identifiers: ClinVar variation 845262 (VCV000845262.13), dbSNP rs1036643774, ClinGen allele CA246302932.